The following is an entry in ClinVar:

GRCh37/hg19 5q35.2-35.3(chr5:175438045-177481250)x1

Genes: ARL10 (ARF like GTPase 10; plus strand), B4GALT7 (beta-1,4-galactosyltransferase 7; plus strand), CDHR2 (cadherin related family member 2; plus strand), CLTB (clathrin light chain B; minus strand), DBN1 (drebrin 1; minus strand) and 34 more. Cytogenetic location: 5q35.2-35.3.
Variant type: copy number loss.
Change: copy number 1 (one copy instead of two) of chr5:175,438,045-177,481,250 (2.04 Mb, GRCh37 coordinates, 1-based), cytogenetic band 5q35.2-35.3.
Identifiers: ClinVar variation 563125 (VCV000563125.4).

ClinVar aggregate classification (germline): Pathogenic (1 of 4 stars; one submission).

Submission:

Quest Diagnostics Nichols Institute San Juan Capistrano
Classification: Pathogenic. Last evaluated: 2021-09-10. Review status: criteria provided, single submitter. Criteria: ACMG/ClinGen CNV Guidelines, 2019. Collection method: clinical testing. Allele origin: unknown.
Comment: This is a recurrent microdeletion that associates with Sotos syndrome (Gene Reviews). This microdeletion is thought to account for approximately 50% of Japanese and an approximately 15% of non-Japanese Sotos syndrome cases. It includes the NSD1 gene, haploinsufficiency of which is associated with autosomal dominant Sotos syndrome (OMIM 117550). Sotos syndrome is characterized by a distinctive facial appearance (broad and prominent forehead, sparse frontotemporal hair, downslanting palpebral fissures, malar flushing, long and narrow face, long chin); learning disability (early developmental delay, mild to severe intellectual impairment); and overgrowth (height and/or head circumference =2 SD above the mean). These three clinical features are considered the cardinal features of Sotos syndrome. Other major features of Sotos syndrome include behavioral problems, advanced bone age, cardiac anomalies, cranial MRI/CT abnormalities, joint hyperlaxity / pes planus, maternal preeclampsia, neonatal jaundice, neonatal hypotonia, renal anomalies, scoliosis, and seizures. More than 95% of cases are de novo.